The following is an entry in ClinVar:

NM_001378120.1(MBD5):c.805A>T (p.Asn269Tyr)

Gene: MBD5 (methyl-CpG binding domain protein 5; plus strand). Cytogenetic location: 2q23.1.
Variant type: single nucleotide variant.
Coding change: c.805A>T on transcript NM_001378120.1 (MANE Select); coding-DNA position 805, A replaced by T.
Protein change: p.Asn269Tyr; replaces asparagine 269 with tyrosine.
Molecular consequence: missense variant.
Genome position (GRCh38, 1-based): chr2:148,468,748, A>T. VCF-style: chr2-148468748-A-T. GRCh37 (hg19) VCF-style: chr2-149226317-A-T.
Other names: c.805A>T, p.Asn269Tyr (NM_018328.5); short protein forms N269Y.
Identifiers: ClinVar variation 972297 (VCV000972297.12), dbSNP rs768720064, ClinGen allele CA348717760.
Genomic context (GRCh38, chr2:148,468,748, plus strand): 5'-GTTTTCACAAGAAGTAATCCTGGTTTTCATGGAGCTCCCAATTCTAGTCCTATTCACCTG[A>T]ATAGGACTCCTCTTTCTCCACCTTCAGTAATGCTACATGGTTCTCCTGTACAGTCATCCT-3'
Protein context (NP_001365049.1, residues 259-279): GAPNSSPIHL[Asn269Tyr]RTPLSPPSVM

ClinVar aggregate classification (germline): Conflicting classifications of pathogenicity. Review status: criteria provided, conflicting classifications (1 of 4 stars). 2 submissions from 2 submitters: Uncertain significance (1); Likely benign (1). Last evaluated 2025-06-01.

Conditions:
Intellectual developmental disorder, autosomal dominant 1. Also called: Intellectual disability, autosomal dominant 1; MBD5 Haploinsufficiency. Identifiers: Orphanet 228402, MedGen C1969562, MONDO:0007974, OMIM 156200.

gnomAD v4.1: 3 of 1,613,896 alleles (0.00019%); highest among the groups gnomAD compares: Admixed American, 0.005%; no homozygotes.

Submissions (2):

Labcorp Genetics (formerly Invitae), Labcorp
Classification: Likely benign for Intellectual developmental disorder, autosomal dominant 1. Last evaluated: 2025-06-01. Review status: criteria provided, single submitter. Criteria: Invitae Variant Classification Sherloc (09022015). Collection method: clinical testing. Allele origin: germline.

GeneDx
Classification: Uncertain significance. Last evaluated: 2020-02-03. Review status: criteria provided, single submitter. Criteria: GeneDx Variant Classification Process June 2021. Collection method: clinical testing. Allele origin: germline. Affected: yes.
Comment: Not observed at a significant frequency in large population cohorts (Lek et al., 2016); In silico analysis supports a deleterious effect on splicing; Has not been previously published as pathogenic or benign to our knowledge